The following is an entry in ClinVar:

NM_001927.4(DES):c.1289-742C>T

Gene: DES (desmin; plus strand). Cytogenetic location: 2q35.
Variant type: single nucleotide variant.
Coding change: c.1289-742C>T on transcript NM_001927.4 (MANE Select); 742 bases into the intron before coding-DNA position 1289, C replaced by T.
Molecular consequence: intron variant.
Genome position (GRCh38, 1-based): chr2:219,424,921, C>T. VCF-style: chr2-219424921-C-T. GRCh37 (hg19) VCF-style: chr2-220289643-C-T.
Other names: c.1289-742C>T (NM_001382712.1); c.1268-742C>T (NM_001382711.1); c.1220-742C>T (NM_001382710.1); c.857-742C>T (NM_001382709.1); c.1286-742C>T (NM_001382708.1); c.1019-742C>T (NM_001382713.1).
Identifiers: ClinVar variation 4990813 (VCV004990813.1).

ClinVar aggregate classification (germline): Likely benign (1 of 4 stars; one submission).

Conditions:
DES-related disorder. Also called: DES-related condition.

Submission:

PreventionGenetics, part of Exact Sciences
Classification: Likely benign for DES-related condition. Last evaluated: 2026-03-18. Review status: criteria provided, single submitter. Criteria: ACMG Guidelines, 2015. Collection method: clinical testing. Allele origin: germline.
Comment: This variant is classified as likely benign based on ACMG/AMP sequence variant interpretation guidelines (Richards et al. 2015 PMID: 25741868, with internal and published modifications).